The following is an entry in ClinVar:

ClinVar aggregate classification (germline): Uncertain significance (1 of 4 stars; one submission).

Conditions:
Hereditary cancer-predisposing syndrome. Also called: Neoplastic Syndromes, Hereditary; Tumor predisposition; Hereditary neoplastic syndrome; Hereditary Cancer Syndrome. Identifiers: Orphanet 140162, MedGen C0027672, MeSH D009386, MONDO:0015356.

Submission:

Ambry Genetics
Classification: Uncertain significance for Hereditary cancer-predisposing syndrome. Last evaluated: 2026-07-07. Review status: criteria provided, single submitter. Criteria: Ambry Variant Classification Scheme 2023. Collection method: clinical testing. Allele origin: germline.
Comment: The p.T113I variant (also known as c.338C>T), located in coding exon 5 of the MAX gene, results from a C to T substitution at nucleotide position 338. The threonine at codon 113 is replaced by isoleucine, an amino acid with similar properties. This amino acid position is conserved. In addition, the in silico prediction for this alteration is inconclusive. Based on the available evidence, the clinical significance of this variant remains unclear.

NM_002382.5(MAX):c.338C>T (p.Thr113Ile)

Gene: MAX (MYC associated transcriptional regulator X; minus strand). Cytogenetic location: 14q23.3.
Variant type: single nucleotide variant.
Coding change: c.338C>T on transcript NM_002382.5 (MANE Select); coding-DNA position 338, C replaced by T.
Protein change: p.Thr113Ile; replaces threonine 113 with isoleucine.
Molecular consequence: missense variant. On other transcripts: non-coding transcript variant (7), intron variant (2), 3 prime UTR variant (12).
Genome position (GRCh38, 1-based): chr14:65,076,621, G>A on the plus strand (C>T on the coding strand, the complement: MAX is on the minus strand). VCF-style: chr14-65076621-G-A. GRCh37 (hg19) VCF-style: chr14-65543339-G-A.
Other names: c.144+17087C>T (NM_001271069.2); c.171+17087C>T (NM_197957.4); c.149C>T, p.Thr50Ile (NM_001320415.2, NM_001407105.1, NM_001407106.1 and 1 more transcripts); c.338C>T, p.Thr113Ile (NM_001407094.1); c.311C>T, p.Thr104Ile (NM_001407095.1, NM_145112.3); c.*111C>T (NM_001407096.1, NM_001407099.1, NM_001407102.1 and 2 more transcripts); c.*127C>T (NM_001407097.1, NM_001407100.1, NM_001407101.1 and 4 more transcripts); c.230C>T, p.Thr77Ile (NM_001407098.1); and 1 more; short protein forms T46I, T113I, T50I, T77I, T104I.
Identifiers: ClinVar variation 5023940 (VCV005023940.1).